The following is an entry in ClinVar:

NM_001369.3(DNAH5):c.5272-41A>G

Gene: DNAH5 (dynein axonemal heavy chain 5; minus strand). Cytogenetic location: 5p15.2.
Variant type: single nucleotide variant.
Coding change: c.5272-41A>G on transcript NM_001369.3 (MANE Select); 41 bases into the intron before coding-DNA position 5272, A replaced by G.
Molecular consequence: intron variant.
Genome position (GRCh38, 1-based): chr5:13,841,945, T>C on the plus strand (A>G on the coding strand, the complement: DNAH5 is on the minus strand). VCF-style: chr5-13841945-T-C. GRCh37 (hg19) VCF-style: chr5-13842054-T-C.
Identifiers: ClinVar variation 4997793 (VCV004997793.1).

ClinVar aggregate classification (germline): Likely benign (1 of 4 stars; one submission).

Conditions:
DNAH5-related disorder. Also called: DNAH5-related condition.

Submission:

PreventionGenetics, part of Exact Sciences
Classification: Likely benign for DNAH5-related condition. Last evaluated: 2024-12-06. Review status: criteria provided, single submitter. Criteria: ACMG Guidelines, 2015. Collection method: clinical testing. Allele origin: germline.
Comment: This variant is classified as likely benign based on ACMG/AMP sequence variant interpretation guidelines (Richards et al. 2015 PMID: 25741868, with internal and published modifications).